The following is an entry in ClinVar:

NM_001159699.2(FHL1):c.516dup (p.Lys173fs)

Gene: FHL1 (four and a half LIM domains 1; plus strand). Cytogenetic location: Xq26.3.
Variant type: Duplication.
Coding change: c.516dup on transcript NM_001159699.2 (MANE Select); coding-DNA position 516, one base duplicated (C; older notation c.516dupC).
Protein change: p.Lys173fs; shifts the reading frame from lysine 173.
Molecular consequence: frameshift variant. On other transcripts: non-coding transcript variant (1).
Genome position (GRCh38, 1-based): chrX:136,207,928, C duplicated; the last of 2 consecutive C bases (chrX:136,207,927-136,207,928); duplicating either gives the same sequence. VCF-style (leftmost placement, unchanged base first): chrX-136207926-A-AC. GRCh37 (hg19) VCF-style: chrX-135290085-A-AC.
Other names: c.468dup, p.Lys157fs (NM_001159700.2, NM_001159702.3, NM_001159703.2 and 9 more transcripts); c.555dup, p.Lys186fs (NM_001159701.2); c.516dup, p.Lys173fs (NM_001330659.2); short protein forms K157fs, K173fs, K186fs.
Identifiers: ClinVar variation 2585952 (VCV002585952.2), dbSNP rs2521287361, ClinGen allele CA2582342934.

ClinVar aggregate classification (germline): Pathogenic (1 of 4 stars; one submission).

Conditions:
Cardiovascular phenotype. Identifiers: MedGen CN230736.

Submission:

Ambry Genetics
Classification: Pathogenic for Cardiovascular phenotype. Last evaluated: 2023-09-22. Review status: criteria provided, single submitter. Criteria: Ambry Variant Classification Scheme 2023. Collection method: clinical testing. Allele origin: germline.
Comment: The c.468dupC pathogenic mutation, located in coding exon 3 of the FHL1 gene, results from a duplication of C at nucleotide position 468, causing a translational frameshift with a predicted alternate stop codon (p.K157Qfs*37). This alteration has been reported in individuals with hypertrophic cardiomyopathy (HCM), including segregating with disease in one family with affected females (Gallego-Delgado M et al. Int J Cardiol, 2015 Jul;191:194-7; Alejandra Restrepo-Cordoba M et al. J Cardiovasc Transl Res, 2017 Feb;10:35-46). This variant is considered to be rare based on population cohorts in the Genome Aggregation Database (gnomAD). In addition to the clinical data presented in the literature, this alteration is expected to result in loss of function by premature protein truncation or nonsense-mediated mRNA decay. As such, this alteration is interpreted as a disease-causing mutation.

Literature cited by the submitters: PubMed 25965631; PubMed 28138913.